The following is an entry in ClinVar:

ClinVar aggregate classification (germline): Conflicting classifications of pathogenicity. Review status: criteria provided, conflicting classifications (1 of 4 stars). 4 submissions from 2 submitters: Uncertain significance (1); Benign (3). Last evaluated 2026-01-14.

Conditions:
Familial restrictive cardiomyopathy (RCM). Identifiers: Orphanet 217635, MedGen C0340429, MONDO:0016340.
Actin accumulation myopathy (CMYO2A). Also called: Myopathy, actin, congenital, with cores; Nemaline myopathy 3, with intranuclear rods; Nemaline myopathy type 3; Myopathy, actin, congenital, with excess of thin myofilaments; CONGENITAL MYOPATHY 2A, TYPICAL, AUTOSOMAL DOMINANT. Identifiers: Orphanet 98904, MedGen C3711389, MONDO:0008070, OMIM 161800.
Congenital myopathy with fiber type disproportion. Also called: Congenital fiber-type disproportion; Congenital fiber-type disproportion myopathy. Identifiers: Orphanet 2020, MedGen C0546264, MONDO:0009711. Inheritance: all.

Allele frequency attached by ClinVar (database versions not stated): gnomAD exomes 0.00004 and 0.00012; ExAC 0.00013; gnomAD 0.00048 and 0.00050; ESP Exome Variant Server 0.00054; TOPMed 0.00054; 1000 Genomes Project 30x 0.00078; 1000 Genomes Project 0.00080.

Submissions (4):

Labcorp Genetics (formerly Invitae), Labcorp
Classification: Benign for Actin accumulation myopathy. Last evaluated: 2026-01-14. Review status: criteria provided, single submitter. Criteria: Invitae Variant Classification Sherloc (09022015). Collection method: clinical testing. Allele origin: germline.

Illumina Laboratory Services, Illumina
Classification: Benign for Familial restrictive cardiomyopathy. Last evaluated: 2017-04-28. Review status: criteria provided, single submitter. Criteria: ICSL Variant Classification Criteria 13 December 2019. Collection method: clinical testing. Allele origin: germline.
Comment: This variant was observed as part of a predisposition screen in an ostensibly healthy population. A literature search was performed for the gene, cDNA change, and amino acid change (where applicable). No publications were found based on this search. Allele frequency data from public databases was too high to be consistent with this variant causing disease. Therefore, this variant is classified as benign.

Illumina Laboratory Services, Illumina
Classification: Uncertain significance for Actin accumulation myopathy. Last evaluated: 2017-04-28. Review status: criteria provided, single submitter. Criteria: ICSL Variant Classification Criteria 13 December 2019. Collection method: clinical testing. Allele origin: germline.

Illumina Laboratory Services, Illumina
Classification: Benign for Congenital myopathy 4A, autosomal dominant. Last evaluated: 2017-04-28. Review status: criteria provided, single submitter. Criteria: ICSL Variant Classification Criteria 13 December 2019. Collection method: clinical testing. Allele origin: germline.
Comment: the same text as in the submission from Illumina Laboratory Services, Illumina above.

NM_001100.4(ACTA1):c.1125A>G (p.Lys375=)

Gene: ACTA1 (actin alpha 1, skeletal muscle; minus strand). Cytogenetic location: 1q42.13.
Variant type: single nucleotide variant.
Coding change: c.1125A>G on transcript NM_001100.4 (MANE Select); coding-DNA position 1125, A replaced by G.
Protein change: p.Lys375=; no amino-acid change (lysine 375 retained).
Molecular consequence: synonymous variant.
Genome position (GRCh38, 1-based): chr1:229,431,508, T>C on the plus strand (A>G on the coding strand, the complement: ACTA1 is on the minus strand). VCF-style: chr1-229431508-T-C. GRCh37 (hg19) VCF-style: chr1-229567255-T-C.
Identifiers: ClinVar variation 464116 (VCV000464116.16), dbSNP rs142311664, ClinGen allele CA1442703.
Genomic context (GRCh38, chr1:229,431,508, plus strand): 5'-ATTGAGAAGATTCGTCGTCCTGAGAAGTCGCGTGCTGGAGGTGGAGTGTGTCTAGAAGCA[T>C]TTGCGGTGGACGATGGAAGGGCCGGCCTCGTCGTACTCCTGCTTGGTGATCCACATCTGC-3'
Protein context (NP_001091.1, residues 365-377): DEAGPSIVHR[Lys375=]CF